The following is an entry in ClinVar:

NM_003001.5(SDHC):c.77+1G>A

Gene: SDHC (succinate dehydrogenase complex subunit C; plus strand). Cytogenetic location: 1q23.3.
Variant type: single nucleotide variant.
Coding change: c.77+1G>A on transcript NM_003001.5 (MANE Select); the canonical splice donor site of the intron after coding-DNA position 77, G replaced by A.
Molecular consequence: splice donor variant. On other transcripts: intron variant (4).
Genome position (GRCh38, 1-based): chr1:161,323,671, G>A. VCF-style: chr1-161323671-G-A. GRCh37 (hg19) VCF-style: chr1-161293461-G-A.
Other names: c.-35+1G>A (NM_001407119.1); c.-153+1G>A (NM_001407120.1); c.77+1G>A (NM_001407115.1, NM_001035511.3, NM_001035512.3 and 2 more transcripts); c.21-4725G>A (NM_001407116.1, NM_001407121.1, NM_001407117.1); c.20+9246G>A (NM_001035513.3).
Identifiers: ClinVar variation 827209 (VCV000827209.14), dbSNP rs1558164647, ClinGen allele CA343359660.

ClinVar aggregate classification (germline): Pathogenic/Likely pathogenic. Review status: criteria provided, multiple submitters, no conflicts (2 of 4 stars). 2 submissions from 2 submitters: Pathogenic (1); Likely pathogenic (1). Last evaluated 2024-05-24.

Conditions:
Pheochromocytoma/paraganglioma syndrome 3. Also called: GLOMUS TUMORS, FAMILIAL, 3; Paragangliomas 3; SDHC-Related Hereditary Paraganglioma-Pheochromocytoma Syndrome (Paragangliomas 3); SDHC-Related Hereditary Paraganglioma-Pheochromocytoma Syndrome. Identifiers: Orphanet 29072, MedGen C1854336, MONDO:0011544, OMIM 605373.
Gastrointestinal stromal tumor. Also called: Gastrointestinal stromal tumor, somatic; Gastrointestinal stroma tumor. Identifiers: Orphanet 44890, MedGen C0238198, MeSH D046152, MONDO:0011719, OMIM 606764, HP:0100723.
Hereditary cancer-predisposing syndrome. Also called: Neoplastic Syndromes, Hereditary; Tumor predisposition; Hereditary Cancer Syndrome; Hereditary neoplastic syndrome. Identifiers: Orphanet 140162, MedGen C0027672, MeSH D009386, MONDO:0015356.

Allele frequency attached by ClinVar (database versions not stated): gnomAD exomes below 0.00001.

Submissions (2):

Ambry Genetics
Classification: Pathogenic for Hereditary cancer-predisposing syndrome. Last evaluated: 2024-05-24. Review status: criteria provided, single submitter. Criteria: Ambry Variant Classification Scheme 2023. Collection method: clinical testing. Allele origin: germline.
Comment: The c.77+1G>A intronic pathogenic mutation results from a G to A substitution one nucleotide after coding exon 2 of the SDHC gene. This variant has been observed in at least one individual with a personal and/or family history that is consistent with SDHC-related paraganglioma-pheochromocytoma syndrome (Ambry internal data). This nucleotide position is highly conserved in available vertebrate species. In silico splice site analysis predicts that this alteration will weaken the native splice donor site. RNA studies have demonstrated that this alteration results in abnormal splicing in the set of samples tested (Ambry internal data). Based on the supporting evidence, this variant is interpreted as a disease-causing mutation.

Labcorp Genetics (formerly Invitae), Labcorp
Classification: Likely pathogenic for Pheochromocytoma/paraganglioma syndrome 3; Gastrointestinal stromal tumor. Last evaluated: 2022-07-29. Review status: criteria provided, single submitter. Criteria: Invitae Variant Classification Sherloc (09022015). Collection method: clinical testing. Allele origin: germline.
Comment: ClinVar contains an entry for this variant (Variation ID: 827209). This sequence change affects a donor splice site in intron 2 of the SDHC gene. It is expected to disrupt RNA splicing. Variants that disrupt the donor or acceptor splice site typically lead to a loss of protein function (PMID: 16199547), and loss-of-function variants in SDHC are known to be pathogenic (PMID: 17667967, 19454582, 23282968, 24758179). This variant is present in population databases (no rsID available, gnomAD 0.003%). This variant has not been reported in the literature in individuals affected with SDHC-related conditions. Algorithms developed to predict the effect of sequence changes on RNA splicing suggest that this variant may disrupt the consensus splice site. In summary, the currently available evidence indicates that the variant is pathogenic, but additional data are needed to prove that conclusively. Therefore, this variant has been classified as Likely Pathogenic.

Literature cited by the submitters: PubMed 16199547 (cited by Labcorp Genetics (formerly Invitae), Labcorp); PubMed 17667967 (cited by Labcorp Genetics (formerly Invitae), Labcorp); PubMed 19454582 (cited by Labcorp Genetics (formerly Invitae), Labcorp); PubMed 23282968 (cited by Labcorp Genetics (formerly Invitae), Labcorp); PubMed 24758179 (cited by Labcorp Genetics (formerly Invitae), Labcorp).